The following is an entry in ClinVar:

NC_000002.11:g.(?_170366289)_(170382206_?)dup

Gene: KLHL41 (kelch like family member 41; plus strand). Cytogenetic location: 2q31.1.
Variant type: Duplication.
Identifiers: ClinVar variation 1450330 (VCV001450330.4).

ClinVar aggregate classification (germline): Uncertain significance (1 of 4 stars; one submission).

Conditions:
Nemaline myopathy 9 (NEM9). Identifiers: MedGen C3810384, MONDO:0014326, OMIM 615731.

Submission:

Labcorp Genetics (formerly Invitae), Labcorp
Classification: Uncertain significance for Nemaline myopathy 9. Last evaluated: 2022-07-11. Review status: criteria provided, single submitter. Criteria: Invitae Variant Classification Sherloc (09022015). Collection method: clinical testing. Allele origin: germline.
Comment: A copy number gain of the genomic region encompassing the full coding sequence of the KLHL41 gene has been identified. The boundaries of this event are unknown as they extend beyond the assayed region for this gene and therefore may encompass additional genes. As the precise location of this event is unknown, it may be in tandem or it may be located elsewhere in the genome. This variant has not been reported in the literature in individuals affected with KLHL41-related conditions. Experimental studies and prediction algorithms are not available or were not evaluated, and the functional significance of this variant is currently unknown. In summary, the available evidence is currently insufficient to determine the role of this variant in disease. Therefore, it has been classified as a Variant of Uncertain Significance.